The following is an entry in ClinVar:

ClinVar aggregate classification (germline): Uncertain significance (1 of 4 stars; one submission).

Conditions:
Myopathy, proximal, and ophthalmoplegia (CMYO6). Also called: INCLUSION BODY MYOPATHY 3, AUTOSOMAL DOMINANT; CONGENITAL MYOPATHY 6 WITH OPHTHALMOPLEGIA; MYOPATHY WITH CONGENITAL JOINT CONTRACTURES, OPHTHALMOPLEGIA, AND RIMMED VACUOLES. Identifiers: Orphanet 363677, Orphanet 79091, MedGen C1854106, MONDO:0011577, OMIM 605637.

Allele frequency attached by ClinVar (database versions not stated): gnomAD exomes below 0.00001.
gnomAD v4.1: 3 of 1,614,132 alleles (0.00019%); highest among the groups gnomAD compares: Non-Finnish European, 0.00025%; no homozygotes.

Submission:

Labcorp Genetics (formerly Invitae), Labcorp
Classification: Uncertain significance for Myopathy, proximal, and ophthalmoplegia. Last evaluated: 2022-08-20. Review status: criteria provided, single submitter. Criteria: Invitae Variant Classification Sherloc (09022015). Collection method: clinical testing. Allele origin: germline.
Comment: In summary, the available evidence is currently insufficient to determine the role of this variant in disease. Therefore, it has been classified as a Variant of Uncertain Significance. Algorithms developed to predict the effect of sequence changes on RNA splicing suggest that this variant may create or strengthen a splice site. Algorithms developed to predict the effect of missense changes on protein structure and function (SIFT, PolyPhen-2, Align-GVGD) all suggest that this variant is likely to be disruptive. This variant has not been reported in the literature in individuals affected with MYH2-related conditions. This variant is not present in population databases (gnomAD no frequency). This sequence change replaces arginine, which is basic and polar, with cysteine, which is neutral and slightly polar, at codon 1718 of the MYH2 protein (p.Arg1718Cys).

NM_017534.6(MYH2):c.5152C>T (p.Arg1718Cys)

Genes: MYHAS (myosin heavy chain gene cluster antisense RNA; plus strand), MYH2 (myosin heavy chain 2; minus strand). Cytogenetic location: 17p13.1.
Variant type: single nucleotide variant.
Coding change: c.5152C>T on transcript NM_017534.6 (MANE Select); coding-DNA position 5152, C replaced by T.
Protein change: p.Arg1718Cys; replaces arginine 1718 with cysteine.
Molecular consequence: missense variant.
Genome position (GRCh38, 1-based): chr17:10,524,489, G>A on the plus strand (C>T on the coding strand, the complement: MYH2 is on the minus strand). VCF-style: chr17-10524489-G-A. GRCh37 (hg19) VCF-style: chr17-10427806-G-A.
Other names: c.5152C>T, p.Arg1718Cys (NM_001100112.2); short protein forms R1718C.
Identifiers: ClinVar variation 2193066 (VCV002193066.4), dbSNP rs1161860650, ClinGen allele CA398118836.
Genomic context (GRCh38, chr17:10,524,489, plus strand): 5'-AAATTTACTAAGGAGAGTTCTTTGTGCTGAATCCCACCTGGGTGTGCAGTAGCTGAACAC[G>A]CTCACTGGCATCCAGGAGCTCCTGTTCTGCGATTTTTCTGCTCCTCTCTGTCTGTTCCAG-3'
Protein context (NP_060004.3, residues 1708-1728): AEQELLDASE[Arg1718Cys]VQLLHTQNTS